The following is an entry in ClinVar:

NM_001267550.2(TTN):c.87848del (p.Leu29283fs)

Genes: TTN (titin; minus strand), TTN-AS1 (TTN antisense RNA 1; plus strand). Cytogenetic location: 2q31.2.
Variant type: Deletion.
Coding change: c.87848del on transcript NM_001267550.2 (MANE Select); coding-DNA position 87848, one base deleted (T; older notation c.87848delT).
Protein change: p.Leu29283fs; shifts the reading frame from leucine 29283.
Molecular consequence: frameshift variant.
Genome position (GRCh38, 1-based): chr2:178,557,414, A deleted on the plus strand (T on the coding strand, the reverse complement: TTN is on the minus strand); the first of 4 consecutive A bases (chr2:178,557,414-178,557,417); deleting any one gives the same sequence. VCF-style (leftmost placement, unchanged base first): chr2-178557413-TA-T. GRCh37 (hg19) VCF-style: chr2-179422140-TA-T.
Other names: c.82925del, p.Leu27642fs (NM_001256850.1); c.60653del, p.Leu20218fs (NM_003319.4); c.80144del, p.Leu26715fs (NM_133378.4); c.61028del, p.Leu20343fs (NM_133432.3); c.61229del, p.Leu20410fs (NM_133437.4); c.82925delT (NM_001256850.1); c.87848del (NM_001267550.1); short protein forms L20410fs, L26715fs, L20343fs, L20218fs, L29283fs, L27642fs.
Identifiers: ClinVar variation 202487 (VCV000202487.6), dbSNP rs794729359, ClinGen allele CA309450.
Genomic context (GRCh38, chr2:178,557,413, plus strand): 5'-ACTGATTGTTGTGACTTTGAAGTGAGTTGTGCGGATGACCAGTTTGTTGGCTTTTTGCCA[TA>T]AAATACTGTTTCTGTCTTTCATTTCCAGGTGATAGCCTACGACTGCACTGCCTCCATTTG-3'

ClinVar aggregate classification (germline): Pathogenic. Review status: criteria provided, multiple submitters, no conflicts (2 of 4 stars). 2 submissions from 2 submitters: Pathogenic (2). Last evaluated 2025-05-20.

Conditions:
Primary dilated cardiomyopathy (DCM). Also called: Dilated Cardiomyopathy. Identifiers: Orphanet 217604, MedGen C0007193, MeSH D002311, MONDO:0005021, HP:0001644. Inheritance: Various modes of inheritance.

Submissions (2):

GeneDx
Classification: Pathogenic. Last evaluated: 2025-05-20. Review status: criteria provided, single submitter. Criteria: GeneDx Variant Classification Process June 2021. Collection method: clinical testing. Allele origin: germline. Affected: yes.
Comment: Not observed at significant frequency in large population cohorts (gnomAD); Frameshift variant predicted to result in protein truncation or nonsense mediated decay in a gene for which loss of function is a known mechanism of disease; This variant is associated with the following publications: (PMID: 35653365, 22335739, 32778822, 25741946, 39481677)

Lildballe Lab, Aarhus University Hospital
Classification: Pathogenic for dilated cardiomyopathy. Last evaluated: 2024-03-01. Review status: criteria provided, single submitter. Criteria: ACMG Guidelines, 2015. Collection method: research. Allele origin: germline. Affected: yes.
Comment: PS4(m), PVS1(vs), PM2(sup)

Literature cited by the submitters: PubMed 25741946 (cited by Lildballe Lab, Aarhus University Hospital); PubMed 39481677 (cited by Lildballe Lab, Aarhus University Hospital).